The following is an entry in ClinVar:

NM_194248.3(OTOF):c.766-3C>T

Gene: OTOF (otoferlin; minus strand). Cytogenetic location: 2p23.3.
Variant type: single nucleotide variant.
Coding change: c.766-3C>T on transcript NM_194248.3 (MANE Select); 3 bases into the intron before coding-DNA position 766, C replaced by T.
Molecular consequence: intron variant.
Genome position (GRCh38, 1-based): chr2:26,495,076, G>A on the plus strand (C>T on the coding strand, the complement: OTOF is on the minus strand). VCF-style: chr2-26495076-G-A. GRCh37 (hg19) VCF-style: chr2-26717944-G-A.
Other names: c.766-3C>T (NM_001287489.2).
Identifiers: ClinVar variation 48274 (VCV000048274.19), dbSNP rs55886964, ClinGen allele CA142955.

ClinVar aggregate classification (germline): Benign. Review status: criteria provided, multiple submitters, no conflicts (2 of 4 stars). 6 submissions from 6 submitters: Benign (6). Last evaluated 2026-02-04.

Conditions:
Autosomal recessive nonsyndromic hearing loss 9. Also called: AUDITORY NEUROPATHY, AUTOSOMAL RECESSIVE, 1, TEMPERATURE-SENSITIVE; Deafness, autosomal recessive 9; NEUROSENSORY NONSYNDROMIC RECESSIVE DEAFNESS 9; OTOF-Related Hearing Loss. Identifiers: Orphanet 90636, MedGen C1832828, MONDO:0010986, OMIM 601071.

Allele frequency attached by ClinVar (database versions not stated): gnomAD 0.02580 and 0.02560; ESP Exome Variant Server 0.02606; gnomAD exomes 0.03127 and 0.03508; ExAC 0.03269; 1000 Genomes Project 0.01697; 1000 Genomes Project 30x 0.01655; TOPMed 0.02153.
gnomAD v4.1: 54,969 of 1,613,976 alleles (3.4%); highest among the groups gnomAD compares: South Asian, 5%; 1,120 homozygotes.

Submissions (16):

Labcorp Genetics (formerly Invitae), Labcorp
Classification: Benign. Last evaluated: 2026-02-04. Review status: criteria provided, single submitter. Criteria: Invitae Variant Classification Sherloc (09022015). Collection method: clinical testing. Allele origin: germline.

GeneDx
Classification: Benign. Last evaluated: 2017-10-26. Review status: criteria provided, single submitter. Criteria: GeneDx Variant Classification (06012015). Collection method: clinical testing. Allele origin: germline. Affected: yes.
Comment: This variant is considered likely benign or benign based on one or more of the following criteria: it is a conservative change, it occurs at a poorly conserved position in the protein, it is predicted to be benign by multiple in silico algorithms, and/or has population frequency not consistent with disease.

Illumina Laboratory Services, Illumina
Classification: Benign for Autosomal recessive nonsyndromic hearing loss 9. Last evaluated: 2017-04-27. Review status: criteria provided, single submitter. Criteria: ICSL Variant Classification Criteria 13 December 2019. Collection method: clinical testing. Allele origin: germline.
Comment: This variant was observed as part of a predisposition screen in an ostensibly healthy population. A literature search was performed for the gene, cDNA change, and amino acid change (where applicable). Publications were found based on this search. The evidence from the literature, in combination with allele frequency data from public databases where available, was sufficient to rule this variant out of causing disease. Therefore, this variant is classified as benign.

Laboratory for Molecular Medicine, Mass General Brigham Personalized Medicine
Classification: Benign. Last evaluated: 2008-03-28. Review status: criteria provided, single submitter. Criteria: LMM Criteria. Collection method: clinical testing. Allele origin: germline. Observed: 121 variant alleles.

Breakthrough Genomics
Classification: Benign. Review status: criteria provided, single submitter. Criteria: ACMG Guidelines, 2015. Collection method: not provided. Allele origin: germline. Inheritance: Autosomal recessive inheritance. Affected: yes.

PreventionGenetics, part of Exact Sciences
Classification: Benign. Review status: criteria provided, single submitter. Criteria: ACMG Guidelines, 2015. Collection method: clinical testing. Allele origin: germline.

Dr. Peter K. Rogan Lab, Western University
No classification provided (evidence only). Condition: Colon adenocarcinoma. Review status: no classification provided. Collection method: in vitro. Allele origin: not applicable. Functional consequence: retained intron. Not counted in ClinVar's aggregate classification.

Dr. Peter K. Rogan Lab, Western University
No classification provided (evidence only). Condition: Colon adenocarcinoma. Review status: no classification provided. Collection method: in vitro. Allele origin: not applicable. Functional consequence: retained intron. Not counted in ClinVar's aggregate classification.

Dr. Peter K. Rogan Lab, Western University
No classification provided (evidence only). Condition: Cervical cancer. Review status: no classification provided. Collection method: in vitro. Allele origin: not applicable. Functional consequence: retained intron. Not counted in ClinVar's aggregate classification.

Dr. Peter K. Rogan Lab, Western University
No classification provided (evidence only). Condition: Nonpapillary renal cell carcinoma. Review status: no classification provided. Collection method: in vitro. Allele origin: not applicable. Functional consequence: retained intron. Not counted in ClinVar's aggregate classification.

Dr. Peter K. Rogan Lab, Western University
No classification provided (evidence only). Condition: Uterine carcinosarcoma. Review status: no classification provided. Collection method: in vitro. Allele origin: not applicable. Functional consequence: retained intron. Not counted in ClinVar's aggregate classification.

Dr. Peter K. Rogan Lab, Western University
No classification provided (evidence only). Condition: Familial pancreatic carcinoma. Review status: no classification provided. Collection method: in vitro. Allele origin: not applicable. Functional consequence: retained intron. Not counted in ClinVar's aggregate classification.

Dr. Peter K. Rogan Lab, Western University
No classification provided (evidence only). Condition: Familial pancreatic carcinoma. Review status: no classification provided. Collection method: in vitro. Allele origin: not applicable. Functional consequence: retained intron. Not counted in ClinVar's aggregate classification.

Dr. Peter K. Rogan Lab, Western University
No classification provided (evidence only). Condition: Lymphoma. Review status: no classification provided. Collection method: in vitro. Allele origin: not applicable. Functional consequence: retained intron. Not counted in ClinVar's aggregate classification.

Dr. Peter K. Rogan Lab, Western University
No classification provided (evidence only). Condition: Lymphoma. Review status: no classification provided. Collection method: in vitro. Allele origin: not applicable. Functional consequence: retained intron. Not counted in ClinVar's aggregate classification.

Dr. Peter K. Rogan Lab, Western University
No classification provided (evidence only). Condition: Ovarian cancer. Review status: no classification provided. Collection method: in vitro. Allele origin: not applicable. Functional consequence: retained intron. Not counted in ClinVar's aggregate classification.

Literature cited by the submitters: PubMed 26186295 (cited by Illumina Laboratory Services, Illumina); PubMed 19250381 (cited by Illumina Laboratory Services, Illumina).